The following is an entry in ClinVar:

ClinVar aggregate classification (germline): Uncertain significance (1 of 4 stars; one submission).

Conditions:
Peroxisome biogenesis disorder. Identifiers: Orphanet 79189, MedGen C1832200, MONDO:0019234. Disease mechanism: loss of function.

Submission:

Labcorp Genetics (formerly Invitae), Labcorp
Classification: Uncertain significance for Peroxisome biogenesis disorder. Last evaluated: 2021-03-17. Review status: criteria provided, single submitter. Criteria: Invitae Variant Classification Sherloc (09022015). Collection method: clinical testing. Allele origin: germline.
Comment: This variant is not present in population databases (ExAC no frequency). In summary, the available evidence is currently insufficient to determine the role of this variant in disease. Therefore, it has been classified as a Variant of Uncertain Significance. Algorithms developed to predict the effect of missense changes on protein structure and function (SIFT, PolyPhen-2, Align-GVGD) all suggest that this variant is likely to be tolerated, but these predictions have not been confirmed by published functional studies and their clinical significance is uncertain. This variant has not been reported in the literature in individuals with PEX6-related conditions. This sequence change replaces serine with threonine at codon 465 of the PEX6 protein (p.Ser465Thr). The serine residue is moderately conserved and there is a small physicochemical difference between serine and threonine.

NM_000287.4(PEX6):c.1394G>C (p.Ser465Thr)

Gene: PEX6 (peroxisomal biogenesis factor 6; minus strand). Cytogenetic location: 6p21.1.
Variant type: single nucleotide variant.
Coding change: c.1394G>C on transcript NM_000287.4 (MANE Select); coding-DNA position 1394, G replaced by C.
Protein change: p.Ser465Thr; replaces serine 465 with threonine.
Molecular consequence: missense variant. On other transcripts: non-coding transcript variant (1).
Genome position (GRCh38, 1-based): chr6:42,968,959, C>G on the plus strand (G>C on the coding strand, the complement: PEX6 is on the minus strand). VCF-style: chr6-42968959-C-G. GRCh37 (hg19) VCF-style: chr6-42936697-C-G.
Other names: c.1130G>C, p.Ser377Thr (NM_001316313.2); short protein forms S465T, S377T.
Identifiers: ClinVar variation 1414843 (VCV001414843.8), dbSNP rs2114246040, ClinGen allele CA364155412.